The following is an entry in ClinVar:

ClinVar aggregate classification (germline): Conflicting classifications of pathogenicity. Review status: criteria provided, conflicting classifications (1 of 4 stars). 11 submissions from 11 submitters: Uncertain significance (10); Likely benign (1). Last evaluated 2026-02-03.

Conditions:
NTHL1-related disorder. Also called: NTHL1-related condition; NTHL1-related conditions.
Familial adenomatous polyposis 3. Also called: NTHL1-Related Adenomatous Polyposis and Colorectal Cancer; NTHL1-associated polyposis; NTHL1-related attenuated familial adenomatous polyposis; NTHL1 Tumor Syndrome. Identifiers: Orphanet 220460, Orphanet 454840, MedGen C4225157, MONDO:0014630, OMIM 616415.
Hereditary cancer-predisposing syndrome. Also called: Tumor predisposition; Hereditary neoplastic syndrome; Hereditary Cancer Syndrome; Neoplastic Syndromes, Hereditary. Identifiers: Orphanet 140162, MedGen C0027672, MeSH D009386, MONDO:0015356.

Allele frequency attached by ClinVar (database versions not stated): gnomAD 0.00006 and 0.00009; TOPMed 0.00007; 1000 Genomes Project 0.00100; 1000 Genomes Project 30x 0.00125.
gnomAD v4.1: 68 of 1,591,802 alleles (0.0043%); highest among the groups gnomAD compares: East Asian, 0.072%; no homozygotes.

Submissions (11):

Labcorp Genetics (formerly Invitae), Labcorp
Classification: Uncertain significance. Last evaluated: 2026-02-03. Review status: criteria provided, single submitter. Criteria: Invitae Variant Classification Sherloc (09022015). Collection method: clinical testing. Allele origin: germline.
Comment: This sequence change replaces threonine, which is neutral and polar, with serine, which is neutral and polar, at codon 18 of the NTHL1 protein (p.Thr18Ser). This variant is present in population databases (rs370539291, gnomAD 0.1%). This missense change has been observed in individual(s) with breast cancer (PMID: 32091409, 33980861). ClinVar contains an entry for this variant (Variation ID: 657414). An algorithm developed to predict the effect of missense changes on protein structure and function (PolyPhen-2) suggests that this variant is likely to be tolerated. In summary, the available evidence is currently insufficient to determine the role of this variant in disease. Therefore, it has been classified as a Variant of Uncertain Significance.

PreventionGenetics, part of Exact Sciences
Classification: Uncertain significance for NTHL1-related condition. Last evaluated: 2026-01-06. Review status: criteria provided, single submitter. Criteria: ACMG Guidelines, 2015. Collection method: clinical testing. Allele origin: germline.
Comment: The NTHL1 c.53C>G variant is predicted to result in the amino acid substitution p.Thr18Ser. This alteration has been observed in two individuals with breast cancer and in one control (Supplementary Table 2, Li et al. 2021. PubMed ID: 33980861). This variant is reported in 0.17% of alleles in individuals of East Asian descent in gnomAD and has conflicting interpretations regarding its pathogenicity in ClinVar, ranging from uncertain significance to likely benign (Variation ID: 657414). Although we suspect that this variant may be benign, at this time, the clinical significance of this variant is uncertain due to the absence of conclusive functional and genetic evidence.

Quest Diagnostics Nichols Institute San Juan Capistrano
Classification: Uncertain significance. Last evaluated: 2025-08-21. Review status: criteria provided, single submitter. Criteria: Quest Diagnostics criteria. Collection method: clinical testing. Allele origin: unknown.
Comment: The NTHL1 c.53C>G (p.Thr18Ser) variant has been reported in the published literature in individuals with breast cancer (PMID: 32091409 (2020)), as well as in a reportedly healthy individual (PMID: 33980861 (2021)). The frequency of this variant in the general population (Genome Aggregation Database) is higher than would generally be expected for pathogenic variants in this gene. Analysis of this variant using bioinformatics tools for the prediction of the effect of amino acid changes on protein structure and function yielded conflicting predictions that this variant is benign or damaging. Based on the available information, we are unable to determine the clinical significance of this variant.

GeneDx
Classification: Uncertain significance. Last evaluated: 2025-08-18. Review status: criteria provided, single submitter. Criteria: GeneDx Variant Classification Process June 2021. Collection method: clinical testing. Allele origin: germline. Affected: yes.
Comment: In silico analysis suggests that this missense variant does not alter protein structure/function; This variant is associated with the following publications: (PMID: 31360874, 32091409, 33980861)

St. Jude Molecular Pathology, St. Jude Children's Research Hospital
Classification: Uncertain significance for Familial adenomatous polyposis 3. Last evaluated: 2025-06-17. Review status: criteria provided, single submitter. Criteria: St. Jude Assertion Criteria 2020. Collection method: clinical testing. Allele origin: germline.
Comment: The NTHL1 c.29C>G p.(Thr10Ser) missense change has a maximum subpopulation frequency of 0.17% in gnomAD v2.1.1. The in silico tool REVEL predicts a benign effect on protein function, but to our knowledge this prediction has not been confirmed by functional studies. To our knowledge, this variant has not been reported in individuals with NTHL1-associated polyposis. In summary, the evidence currently available is insufficient to determine the clinical significance of this variant. It has therefore been classified as of uncertain significance.

Center for Genomic Medicine, Rigshospitalet, Copenhagen University Hospital
Classification: Uncertain significance. Last evaluated: 2025-03-04. Review status: criteria provided, single submitter. Criteria: ACMG Guidelines, 2015. Collection method: clinical testing. Allele origin: germline.

Department of Pathology and Laboratory Medicine, Sinai Health System
Classification: Uncertain significance for Familial adenomatous polyposis 3. Last evaluated: 2024-05-01. Review status: criteria provided, single submitter. Criteria: ACMG Guidelines, 2015. Collection method: clinical testing. Allele origin: germline. Affected: yes.

Baylor Genetics
Classification: Uncertain significance for Familial adenomatous polyposis 3. Last evaluated: 2024-03-24. Review status: criteria provided, single submitter. Criteria: ACMG Guidelines, 2015. Collection method: clinical testing. Allele origin: unknown.

Fulgent Genetics
Classification: Uncertain significance for Familial adenomatous polyposis 3. Last evaluated: 2024-03-13. Review status: criteria provided, single submitter. Criteria: ACMG Guidelines, 2015. Collection method: clinical testing. Allele origin: germline.

Molecular Pathology, Peter Maccallum Cancer Centre
Classification: Uncertain significance for Familial adenomatous polyposis 3. Last evaluated: 2024-01-15. Review status: criteria provided, single submitter. Criteria: ACMG Guidelines, 2015. Collection method: clinical testing. Allele origin: germline. Inheritance: Autosomal recessive inheritance.

Ambry Genetics
Classification: Likely benign for Hereditary cancer-predisposing syndrome. Last evaluated: 2022-07-11. Review status: criteria provided, single submitter. Criteria: Ambry Variant Classification Scheme 2023. Collection method: clinical testing. Allele origin: germline.

Literature cited by the submitters: PubMed 32091409 (cited by Labcorp Genetics (formerly Invitae), Labcorp and Quest Diagnostics Nichols Institute San Juan Capistrano); PubMed 33980861 (cited by 3 submitters).

NM_002528.7(NTHL1):c.29C>G (p.Thr10Ser)

Gene: NTHL1 (nth like DNA glycosylase 1; minus strand). Cytogenetic location: 16p13.3.
Variant type: single nucleotide variant.
Coding change: c.29C>G on transcript NM_002528.7 (MANE Select); coding-DNA position 29, C replaced by G.
Protein change: p.Thr10Ser; replaces threonine 10 with serine.
Molecular consequence: missense variant. On other transcripts: 5 prime UTR variant (1).
Genome position (GRCh38, 1-based): chr16:2,047,795, G>C on the plus strand (C>G on the coding strand, the complement: NTHL1 is on the minus strand). VCF-style: chr16-2047795-G-C. GRCh37 (hg19) VCF-style: chr16-2097796-G-C.
Other names: c.29C>G, p.Thr10Ser (LRG_1366t1, NM_001318193.2); c.-150C>G (NM_001318194.2); short protein forms T10S.
Identifiers: ClinVar variation 657414 (VCV000657414.31), dbSNP rs370539291, ClinGen allele CA027754.